The following is an entry in ClinVar:

ClinVar aggregate classification (germline): Uncertain significance (1 of 4 stars; one submission).

Conditions:
Intellectual developmental disorder, autosomal dominant 43. Also called: Intellectual disability, autosomal dominant 43. Identifiers: MedGen C4707429, MONDO:0014858, OMIM 616977.

gnomAD v4.1: 2 of 1,613,626 alleles (0.00012%); highest among the groups gnomAD compares: Non-Finnish European, 0.00017%; no homozygotes.

Submission:

Laboratorio de Genetica e Diagnostico Molecular, Hospital Israelita Albert Einstein
Classification: Uncertain significance for Intellectual developmental disorder, autosomal dominant 43. Last evaluated: 2023-06-07. Review status: criteria provided, single submitter. Criteria: ACMG Guidelines, 2015. Collection method: clinical testing. Allele origin: germline. Affected: yes.
Comment: ACMG classification criteria: PM2 moderate, BP4 supporting

NM_006734.4(HIVEP2):c.871G>A (p.Ala291Thr)

Gene: HIVEP2 (HIVEP zinc finger 2; minus strand). Cytogenetic location: 6q24.2.
Variant type: single nucleotide variant.
Coding change: c.871G>A on transcript NM_006734.4 (MANE Select); coding-DNA position 871, G replaced by A.
Protein change: p.Ala291Thr; replaces alanine 291 with threonine.
Molecular consequence: missense variant.
Genome position (GRCh38, 1-based): chr6:142,773,868, C>T on the plus strand (G>A on the coding strand, the complement: HIVEP2 is on the minus strand). VCF-style: chr6-142773868-C-T. GRCh37 (hg19) VCF-style: chr6-143095005-C-T.
Other names: short protein forms A291T.
Identifiers: ClinVar variation 4056706 (VCV004056706.1).